The following is an entry in ClinVar:

ClinVar aggregate classification (germline): Uncertain significance. Review status: criteria provided, multiple submitters, no conflicts (2 of 4 stars). 2 submissions from 2 submitters: Uncertain significance (2). Last evaluated 2026-02-27.

Conditions:
TJP2-related disorder. Also called: TJP2-related condition.

gnomAD v4.1: 9 of 1,614,064 alleles (0.00056%); highest among the groups gnomAD compares: Non-Finnish European, 0.00076%; no homozygotes.

Submissions (2):

PreventionGenetics, part of Exact Sciences
Classification: Uncertain significance for TJP2-related condition. Last evaluated: 2026-02-27. Review status: criteria provided, single submitter. Criteria: ACMG Guidelines, 2015. Collection method: clinical testing. Allele origin: germline.
Comment: The TJP2 c.3182G>T variant is predicted to result in the amino acid substitution p.Gly1061Val. To our knowledge, this variant has not been reported in the literature. This variant is reported in 0.0018% of alleles in individuals of European (Non-Finnish) descent in gnomAD. At this time, the clinical significance of this variant is uncertain due to the absence of conclusive functional and genetic evidence.

GeneDx
Classification: Uncertain significance. Last evaluated: 2022-02-28. Review status: criteria provided, single submitter. Criteria: GeneDx Variant Classification Process June 2021. Collection method: clinical testing. Allele origin: germline. Affected: yes.
Comment: Not observed at significant frequency in large population cohorts (gnomAD); In silico analysis supports that this missense variant does not alter protein structure/function; Has not been previously published as pathogenic or benign to our knowledge

NM_004817.4(TJP2):c.3182G>T (p.Gly1061Val)

Gene: TJP2 (tight junction protein 2; plus strand). Cytogenetic location: 9q21.11.
Variant type: single nucleotide variant.
Coding change: c.3182G>T on transcript NM_004817.4 (MANE Select); coding-DNA position 3182, G replaced by T.
Protein change: p.Gly1061Val; replaces glycine 1061 with valine.
Molecular consequence: missense variant. On other transcripts: intron variant (3).
Genome position (GRCh38, 1-based): chr9:69,251,225, G>T. VCF-style: chr9-69251225-G-T. GRCh37 (hg19) VCF-style: chr9-71866141-G-T.
Other names: c.3083G>T, p.Gly1028Val (NM_001170415.1); c.3275G>T, p.Gly1092Val (NM_001170416.2); c.3107G>T, p.Gly1036Val (NM_001369870.1); c.3113G>T, p.Gly1038Val (NM_001369871.1); c.3071G>T, p.Gly1024Val (NM_001369872.1); c.2858G>T, p.Gly953Val (NM_001369873.1); c.3194G>T, p.Gly1065Val (NM_001369875.1); c.2812-1590G>T (NM_001170414.2); and 2 more; short protein forms G1024V, G1028V, G1036V, G1038V, G1061V, G1065V, G1092V, G953V.
Identifiers: ClinVar variation 1703933 (VCV001703933.3), dbSNP rs756375710, ClinGen allele CA5073898.